The following is an entry in ClinVar:

ClinVar aggregate classification (germline): Uncertain significance (1 of 4 stars; one submission).

Submission:

CeGaT Center for Human Genetics Tuebingen
Classification: Uncertain significance. Last evaluated: 2026-01-01. Review status: criteria provided, single submitter. Criteria: CeGaT Center For Human Genetics Tuebingen Variant Classification Criteria Version 2. Collection method: clinical testing. Allele origin: germline. Affected: yes. Observed: 1 variant allele.
Comment: CACNA1A: PM2, PS2:Supporting, BP5

NM_001127222.2(CACNA1A):c.2305C>T (p.Pro769Ser)

Gene: CACNA1A (calcium voltage-gated channel subunit alpha1 A; minus strand). Cytogenetic location: 19p13.13.
Variant type: single nucleotide variant.
Coding change: c.2305C>T on transcript NM_001127222.2 (MANE Select); coding-DNA position 2305, C replaced by T.
Protein change: p.Pro769Ser; replaces proline 769 with serine.
Molecular consequence: missense variant.
Genome position (GRCh38, 1-based): chr19:13,299,328, G>A on the plus strand (C>T on the coding strand, the complement: CACNA1A is on the minus strand). VCF-style: chr19-13299328-G-A. GRCh37 (hg19) VCF-style: chr19-13410142-G-A.
Other names: c.2317C>T, p.Pro773Ser (NM_000068.4, NM_023035.3); c.2308C>T, p.Pro770Ser (NM_001127221.2, NM_001174080.2); short protein forms P769S, P770S, P773S.
Identifiers: ClinVar variation 4823026 (VCV004823026.4).